The following is an entry in ClinVar:

NM_001083116.3(PRF1):c.607C>A (p.His203Asn)

Gene: PRF1 (perforin 1; minus strand). Cytogenetic location: 10q22.1.
Variant type: single nucleotide variant.
Coding change: c.607C>A on transcript NM_001083116.3 (MANE Select); coding-DNA position 607, C replaced by A.
Protein change: p.His203Asn; replaces histidine 203 with asparagine.
Molecular consequence: missense variant.
Genome position (GRCh38, 1-based): chr10:70,599,114, G>T on the plus strand (C>A on the coding strand, the complement: PRF1 is on the minus strand). VCF-style: chr10-70599114-G-T. GRCh37 (hg19) VCF-style: chr10-72358870-G-T.
Other names: c.607C>A, p.His203Asn (NM_005041.6); short protein forms H203N.
Identifiers: ClinVar variation 4797068 (VCV004797068.1).

ClinVar aggregate classification (germline): Uncertain significance (1 of 4 stars; one submission).

Conditions:
Familial hemophagocytic lymphohistiocytosis 2 (FHL2). Also called: PRF1-Related Familial Hemophagocytic Lymphohistiocytosis (PRF1-fHLH). Identifiers: Orphanet 540, MedGen C1863727, MONDO:0011337, OMIM 603553.

Submission:

Labcorp Genetics (formerly Invitae), Labcorp
Classification: Uncertain significance for Familial hemophagocytic lymphohistiocytosis 2. Last evaluated: 2025-09-16. Review status: criteria provided, single submitter. Criteria: Invitae Variant Classification Sherloc (09022015). Collection method: clinical testing. Allele origin: germline.
Comment: This sequence change replaces histidine, which is basic and polar, with asparagine, which is neutral and polar, at codon 203 of the PRF1 protein (p.His203Asn). The frequency data for this variant in the population databases is considered unreliable, as metrics indicate poor data quality at this position in the gnomAD database. This variant has not been reported in the literature in individuals affected with PRF1-related conditions. Invitae Evidence Modeling of protein sequence and biophysical properties (such as structural, functional, and spatial information, amino acid conservation, physicochemical variation, residue mobility, and thermodynamic stability) indicates that this missense variant is not expected to disrupt PRF1 protein function with a negative predictive value of 95%. In summary, the available evidence is currently insufficient to determine the role of this variant in disease. Therefore, it has been classified as a Variant of Uncertain Significance.